The following is an entry in ClinVar:

ClinVar aggregate classification (germline): Uncertain significance. Review status: criteria provided, single submitter (1 of 4 stars). 2 submissions from 2 submitters: Uncertain significance (1). 1 of the submissions does not count toward it. Last evaluated 2018-07-31.

Conditions:
Cerebral cavernous malformation 2. Also called: Familial Cerebral Cavernous Malformation 2. Identifiers: Orphanet 221061, MedGen C1864041, MONDO:0011304, OMIM 603284.

Submissions (2):

Labcorp Genetics (formerly Invitae), Labcorp
Classification: Uncertain significance for Cerebral cavernous malformation 2. Last evaluated: 2018-07-31. Review status: criteria provided, single submitter. Criteria: Invitae Variant Classification Sherloc (09022015). Collection method: clinical testing. Allele origin: germline.
Comment: This sequence change replaces serine with proline at codon 116 of the CCM2 protein (p.Ser116Pro). The serine residue is highly conserved and there is a moderate physicochemical difference between serine and proline. This variant is not present in population databases (ExAC no frequency). This variant has been observed in a family affected with cerebral cavernous malformations (Invitae). Algorithms developed to predict the effect of missense changes on protein structure and function (SIFT, PolyPhen-2, Align-GVGD) all suggest that this variant is likely to be disruptive, but these predictions have not been confirmed by published functional studies and their clinical significance is uncertain. In summary, the available evidence is currently insufficient to determine the role of this variant in disease. Therefore, it has been classified as a Variant of Uncertain Significance.

OMIM
Classification: Pathogenic for CEREBRAL CAVERNOUS MALFORMATIONS 2. Last evaluated: 2023-08-04. Review status: no assertion criteria provided. Collection method: literature only. Allele origin: germline. Not counted in ClinVar's aggregate classification.

Literature cited by the submitters: PubMed 31937560 (cited by OMIM).

NM_031443.4(CCM2):c.346T>C (p.Ser116Pro)

Gene: CCM2 (CCM2 scaffold protein; plus strand). Cytogenetic location: 7p13.
Variant type: single nucleotide variant.
Coding change: c.346T>C on transcript NM_031443.4 (MANE Select); coding-DNA position 346, T replaced by C.
Protein change: p.Ser116Pro; replaces serine 116 with proline.
Molecular consequence: missense variant. On other transcripts: non-coding transcript variant (1).
Genome position (GRCh38, 1-based): chr7:45,064,520, T>C. VCF-style: chr7-45064520-T-C. GRCh37 (hg19) VCF-style: chr7-45104119-T-C.
Other names: c.409T>C, p.Ser137Pro (NM_001029835.2); c.172T>C, p.Ser58Pro (NM_001167934.2, NM_001363459.2); c.346T>C, p.Ser116Pro (NM_001167935.2, NM_001363458.2); short protein forms S116P, S137P, S58P.
Identifiers: ClinVar variation 569848 (VCV000569848.10), dbSNP rs1562907616, ClinGen allele CA367429921.